The following is an entry in ClinVar:

NM_006946.4(SPTBN2):c.6182CAG[1] (p.Ala2062del)

Gene: SPTBN2 (spectrin beta, non-erythrocytic 2; minus strand). Cytogenetic location: 11q13.2.
Variant type: Microsatellite.
Coding change: c.6182CAG[1] on transcript NM_006946.4 (MANE Select); one copy of the 3-base unit CAG starting at c.6182; the reference has two copies in a row; one copy, 3 bases deleted.
Protein change: p.Ala2062del; deletes alanine 2062.
Molecular consequence: inframe deletion.
Genome position (GRCh38, 1-based): chr11:66,688,697-66,688,699, CTG deleted on the plus strand (CAG on the coding strand, the reverse complement: SPTBN2 is on the minus strand); deleting any 3 consecutive bases within chr11:66,688,697-66,688,702 gives the same sequence; the position shown is the placement nearest the transcript's 3' end. VCF-style (leftmost placement, unchanged base first): chr11-66688696-ACTG-A. GRCh37 (hg19) VCF-style: chr11-66456167-ACTG-A.
Other names: c.6203CAG[1], p.Ala2069del (NM_001411025.1); short protein forms A2062del, A2069del.
Identifiers: ClinVar variation 2684354 (VCV002684354.1), dbSNP rs1193627760, ClinGen allele CA679433822.

ClinVar aggregate classification (germline): Uncertain significance (1 of 4 stars; one submission).

Submission:

Athena Diagnostics
Classification: Uncertain significance. Last evaluated: 2022-12-05. Review status: criteria provided, single submitter. Criteria: Athena Diagnostics Criteria. Collection method: clinical testing. Allele origin: unknown.
Comment: Available data are insufficient to determine the clinical significance of the variant at this time. This variant has not been reported in large, multi-ethnic general populations. Computational tools yielded predictions that this variant may result in the gain of a cryptic splice site without affecting the natural splice sites.